The following is an entry in ClinVar:

NM_001135629.3(PPP1R21):c.1249C>T (p.Arg417Trp)

Gene: PPP1R21 (protein phosphatase 1 regulatory subunit 21; plus strand). Cytogenetic location: 2p16.3.
Variant type: single nucleotide variant.
Coding change: c.1249C>T on transcript NM_001135629.3 (MANE Select); coding-DNA position 1249, C replaced by T.
Protein change: p.Arg417Trp; replaces arginine 417 with tryptophan.
Molecular consequence: missense variant. On other transcripts: non-coding transcript variant (1).
Genome position (GRCh38, 1-based): chr2:48,479,947, C>T. VCF-style: chr2-48479947-C-T. GRCh37 (hg19) VCF-style: chr2-48707086-C-T.
Other names: c.1249C>T, p.Arg417Trp (NM_001193475.2, NM_152994.5); short protein forms R417W.
Identifiers: ClinVar variation 4980320 (VCV004980320.1).

ClinVar aggregate classification (germline): Uncertain significance (1 of 4 stars; one submission).

Conditions:
PPP1R21-related disorder. Also called: PPP1R21-related condition.

gnomAD v4.1: 22 of 1,611,976 alleles (0.0014%); highest among the groups gnomAD compares: South Asian, 0.012%; no homozygotes.

Submission:

PreventionGenetics, part of Exact Sciences
Classification: Uncertain significance for PPP1R21-related condition. Last evaluated: 2025-08-19. Review status: criteria provided, single submitter. Criteria: ACMG Guidelines, 2015. Collection method: clinical testing. Allele origin: germline.
Comment: The PPP1R21 c.1249C>T variant is predicted to result in the amino acid substitution p.Arg417Trp. To our knowledge, this variant has not been reported in the literature. This variant is reported in 0.023% of alleles in individuals of South Asian descent in gnomAD. At this time, the clinical significance of this variant is uncertain due to the absence of conclusive functional and genetic evidence.